The following is an entry in ClinVar:

NM_001166108.2(PALLD):c.*41C>T

Genes: CBR4 (carbonyl reductase 4; minus strand), PALLD (palladin, cytoskeletal associated protein; plus strand). Cytogenetic location: 4q32.3.
Variant type: single nucleotide variant.
Coding change: c.*41C>T on transcript NM_001166108.2 (MANE Select); 41 bases downstream of the stop codon, C replaced by T.
Molecular consequence: 3 prime UTR variant. On other transcripts: missense variant (4).
Genome position (GRCh38, 1-based): chr4:168,926,221, C>T. VCF-style: chr4-168926221-C-T. GRCh37 (hg19) VCF-style: chr4-169847372-C-T.
Other names: c.2170C>T, p.His724Tyr (NM_001166109.2); c.1855C>T, p.His619Tyr (NM_001166110.2); c.*41C>T (NM_001367567.1, NM_001367570.1, NM_016081.4); c.1246C>T, p.His416Tyr (NM_001367568.1); c.1195C>T, p.His399Tyr (NM_001367569.1); c.1855C>T (NM_001166110.1); short protein forms H724Y, H416Y, H619Y, H399Y.
Identifiers: ClinVar variation 1380983 (VCV001380983.9), dbSNP rs2126617192, ClinGen allele CA358715513.

ClinVar aggregate classification (germline): Uncertain significance. Review status: criteria provided, multiple submitters, no conflicts (2 of 4 stars). 2 submissions from 2 submitters: Uncertain significance (2). Last evaluated 2025-05-19.

Conditions:
Pancreatic adenocarcinoma. Identifiers: MedGen C0281361, MONDO:0006047, HP:0006725.

Submissions (2):

Ambry Genetics
Classification: Uncertain significance. Last evaluated: 2025-05-19. Review status: criteria provided, single submitter. Criteria: Ambry Variant Classification Scheme 2023. Collection method: clinical testing. Allele origin: germline.
Comment: The p.H619Y variant (also known as c.1855C>T), located in coding exon 11 of the PALLD gene, results from a C to T substitution at nucleotide position 1855. The histidine at codon 619 is replaced by tyrosine, an amino acid with similar properties. This amino acid position is conserved. In addition, this alteration is predicted to be tolerated by in silico analysis. Based on the available evidence, the clinical significance of this variant remains unclear.

Labcorp Genetics (formerly Invitae), Labcorp
Classification: Uncertain significance for Pancreatic adenocarcinoma. Last evaluated: 2021-03-18. Review status: criteria provided, single submitter. Criteria: Invitae Variant Classification Sherloc (09022015). Collection method: clinical testing. Allele origin: germline.
Comment: In summary, the available evidence is currently insufficient to determine the role of this variant in disease. Therefore, it has been classified as a Variant of Uncertain Significance. Algorithms developed to predict the effect of sequence changes on RNA splicing suggest that this variant may create or strengthen a splice site, but this prediction has not been confirmed by published transcriptional studies. Algorithms developed to predict the effect of missense changes on protein structure and function are either unavailable or do not agree on the potential impact of this missense change (SIFT: "Deleterious"; PolyPhen-2: "Benign"; Align-GVGD: "Class C0"). This variant has not been reported in the literature in individuals with PALLD-related conditions. This variant is not present in population databases (ExAC no frequency). This sequence change replaces histidine with tyrosine at codon 619 of the PALLD protein (p.His619Tyr). The histidine residue is highly conserved and there is a moderate physicochemical difference between histidine and tyrosine.